The following is an entry in ClinVar:

NM_000186.4(CFH):c.3454T>C (p.Cys1152Arg)

Gene: CFH (complement factor H; plus strand). Cytogenetic location: 1q31.3.
Variant type: single nucleotide variant.
Coding change: c.3454T>C on transcript NM_000186.4 (MANE Select); coding-DNA position 3454, T replaced by C.
Protein change: p.Cys1152Arg; replaces cysteine 1152 with arginine.
Molecular consequence: missense variant.
Genome position (GRCh38, 1-based): chr1:196,745,960, T>C. VCF-style: chr1-196745960-T-C. GRCh37 (hg19) VCF-style: chr1-196715090-T-C.
Other names: short protein forms C1152R.
Identifiers: ClinVar variation 4881775 (VCV004881775.2).
Genomic context (GRCh38, chr1:196,745,960, plus strand): 5'-TCATCAGTTGAGTACCAATGCCAGAACTTGTATCAACTTGAGGGTAACAAGCGAATAACA[T>C]GTAGAAATGGACAATGGTCAGAACCACCAAAATGCTTACGTAAGTACTTTAATATTCACG-3'
Protein context (NP_000177.2, residues 1142-1162): YQLEGNKRIT[Cys1152Arg]RNGQWSEPPK

ClinVar aggregate classification (germline): Uncertain significance (1 of 4 stars; one submission).

Submission:

Dasa
Classification: Uncertain significance. Last evaluated: 2026-04-09. Review status: criteria provided, single submitter. Criteria: DASA Assertion Criteria. Collection method: clinical testing. Allele origin: germline.
Comment: NM_000186.4(CFH):c.3454T>C (p.Cys1152Arg) is a missense variant that results in the substitution of cysteine with arginine. The affected residue or protein region has prior evidence supporting clinical relevance. This variant is absent from population databases. Computational prediction algorithms are consistent with a deleterious effect. The currently available literature and clinical evidence are not sufficient to establish a definitive association between this variant and the reported condition. Therefore, this variant is classified as a variant of uncertain significance.